The following is an entry in ClinVar:

ClinVar aggregate classification (germline): Uncertain significance (1 of 4 stars; one submission).

Submission:

GeneDx
Classification: Uncertain significance. Last evaluated: 2021-07-19. Review status: criteria provided, single submitter. Criteria: GeneDx Variant Classification Process June 2021. Collection method: clinical testing. Allele origin: germline. Affected: yes.
Comment: Not observed in large population cohorts (Lek et al., 2016); In-frame insertion of 1 amino acid in a non-repeat region; Has not been previously published as pathogenic or benign to our knowledge

NM_019066.5(MAGEL2):c.3270CAA[3] (p.Asn1091dup)

Gene: MAGEL2 (MAGE family member L2; minus strand). Cytogenetic location: 15q11.2.
Variant type: Microsatellite.
Coding change: c.3270CAA[3] on transcript NM_019066.5 (MANE Select); three copies in a row of the 3-base unit CAA starting at c.3270; the reference has two copies in a row; one copy, 3 bases duplicated.
Protein change: p.Asn1091dup; duplicates asparagine 1091.
Molecular consequence: inframe insertion.
Genome position (GRCh38, 1-based): chr15:23,644,468-23,644,470, TTG duplicated on the plus strand (CAA on the coding strand, the reverse complement: MAGEL2 is on the minus strand); duplicating any 3 consecutive bases within chr15:23,644,468-23,644,473 gives the same sequence; the position shown is the placement nearest the transcript's 3' end. VCF-style (leftmost placement, unchanged base first): chr15-23644467-C-CTTG. GRCh37 (hg19) VCF-style: chr15-23889614-C-CTTG.
Identifiers: ClinVar variation 1313687 (VCV001313687.2), dbSNP rs2140712313, ClinGen allele CA2580613837.